The following is an entry in ClinVar:

NM_000287.4(PEX6):c.2214dup (p.Gly739fs)

Gene: PEX6 (peroxisomal biogenesis factor 6; minus strand). Cytogenetic location: 6p21.1.
Variant type: Duplication.
Coding change: c.2214dup on transcript NM_000287.4 (MANE Select); coding-DNA position 2214, one base duplicated (A; older notation c.2214dupA).
Protein change: p.Gly739fs; shifts the reading frame from glycine 739.
Molecular consequence: frameshift variant.
Genome position (GRCh38, 1-based): chr6:42,966,328, T duplicated on the plus strand (A on the coding strand, the reverse complement: PEX6 is on the minus strand). VCF-style (leftmost placement, unchanged base first): chr6-42966327-C-CT. GRCh37 (hg19) VCF-style: chr6-42934065-C-CT.
Other names: c.1950dup, p.Gly651fs (NM_001316313.2); short protein forms G651fs, G739fs.
Identifiers: ClinVar variation 5014900 (VCV005014900.1).

ClinVar aggregate classification (germline): Pathogenic (1 of 4 stars; one submission).

Conditions:
Peroxisome biogenesis disorder. Identifiers: Orphanet 79189, MedGen C1832200, MONDO:0019234. Disease mechanism: loss of function.

Submission:

Myriad Genetics, Inc.
Classification: Pathogenic for Peroxisome biogenesis disorder. Last evaluated: 2025-08-23. Review status: criteria provided, single submitter. Criteria: Myriad Autosomal Dominant, Autosomal Recessive and X-Linked Classification Criteria (2023). Collection method: clinical testing. Allele origin: unknown.
Comment: NM_000287.3(PEX6):c.2214dupA(G739Rfs*22) is expected to be pathogenic in the context of peroxisome biogenesis disorder type 4. This variant is predicted to lead to an abnormal or absent protein product due to the creation of a premature termination codon in PEX6, a gene where loss-of-function variants are known to be pathogenic. Please note: this variant was assessed in the context of healthy population screening.